The following is an entry in ClinVar:

NM_001734.5(C1S):c.106G>C (p.Val36Leu)

Gene: C1S (complement C1s; plus strand). Cytogenetic location: 12p13.31.
Variant type: single nucleotide variant.
Coding change: c.106G>C on transcript NM_001734.5 (MANE Select); coding-DNA position 106, G replaced by C.
Protein change: p.Val36Leu; replaces valine 36 with leucine.
Molecular consequence: missense variant. On other transcripts: intron variant (1).
Genome position (GRCh38, 1-based): chr12:7,062,575, G>C. VCF-style: chr12-7062575-G-C. GRCh37 (hg19) VCF-style: chr12-7169879-G-C.
Other names: c.106G>C, p.Val36Leu (NM_201442.4); c.-288-315G>C (NM_001346850.2); short protein forms V36L.
Identifiers: ClinVar variation 1523330 (VCV001523330.6), dbSNP rs2135721100, ClinGen allele CA383688010.
Genomic context (GRCh38, chr12:7,062,575, plus strand): 5'-GAGCCTACCATGTATGGGGAGATCCTGTCCCCTAACTATCCTCAGGCATATCCCAGTGAG[G>C]TAGAGAAATCTTGGGACATAGAAGTTCCTGAAGGGTATGGGATTCACCTCTACTTCACCC-3'
Protein context (NP_001725.1, residues 26-46): PNYPQAYPSE[Val36Leu]EKSWDIEVPE

ClinVar aggregate classification (germline): Uncertain significance (1 of 4 stars; one submission).

Submission:

Labcorp Genetics (formerly Invitae), Labcorp
Classification: Uncertain significance. Last evaluated: 2021-10-07. Review status: criteria provided, single submitter. Criteria: Invitae Variant Classification Sherloc (09022015). Collection method: clinical testing. Allele origin: germline.
Comment: This sequence change replaces valine with leucine at codon 36 of the C1S protein (p.Val36Leu). The valine residue is moderately conserved and there is a small physicochemical difference between valine and leucine. This variant is not present in population databases (ExAC no frequency). In summary, the available evidence is currently insufficient to determine the role of this variant in disease. Therefore, it has been classified as a Variant of Uncertain Significance. Algorithms developed to predict the effect of missense changes on protein structure and function (SIFT, PolyPhen-2, Align-GVGD) all suggest that this variant is likely to be tolerated. This variant has not been reported in the literature in individuals affected with C1S-related conditions.